The following is an entry in ClinVar:

ClinVar aggregate classification (germline): Uncertain significance. Review status: criteria provided, multiple submitters, no conflicts (2 of 4 stars). 2 submissions from 2 submitters: Uncertain significance (2). Last evaluated 2024-08-23.

Submissions (2):

GeneDx
Classification: Uncertain significance. Last evaluated: 2024-08-23. Review status: criteria provided, single submitter. Criteria: GeneDx Variant Classification Process June 2021. Collection method: clinical testing. Allele origin: germline. Affected: yes.
Comment: Not observed at significant frequency in large population cohorts (gnomAD); In silico analysis indicates that this missense variant does not alter protein structure/function; Has not been previously published as pathogenic or benign to our knowledge

Labcorp Genetics (formerly Invitae), Labcorp
Classification: Uncertain significance. Last evaluated: 2024-07-18. Review status: criteria provided, single submitter. Criteria: Invitae Variant Classification Sherloc (09022015). Collection method: clinical testing. Allele origin: germline.
Comment: This sequence change replaces proline, which is neutral and non-polar, with serine, which is neutral and polar, at codon 361 of the SCAF4 protein (p.Pro361Ser). This variant is not present in population databases (gnomAD no frequency). This variant has not been reported in the literature in individuals affected with SCAF4-related conditions. An algorithm developed to predict the effect of missense changes on protein structure and function (PolyPhen-2) suggests that this variant is likely to be disruptive. In summary, the available evidence is currently insufficient to determine the role of this variant in disease. Therefore, it has been classified as a Variant of Uncertain Significance.

NM_020706.2(SCAF4):c.1081C>T (p.Pro361Ser)

Gene: SCAF4 (SR-related CTD associated factor 4; minus strand). Cytogenetic location: 21q22.11.
Variant type: single nucleotide variant.
Coding change: c.1081C>T on transcript NM_020706.2 (MANE Select); coding-DNA position 1081, C replaced by T.
Protein change: p.Pro361Ser; replaces proline 361 with serine.
Molecular consequence: missense variant.
Genome position (GRCh38, 1-based): chr21:31,694,968, G>A on the plus strand (C>T on the coding strand, the complement: SCAF4 is on the minus strand). VCF-style: chr21-31694968-G-A. GRCh37 (hg19) VCF-style: chr21-33067281-G-A.
Other names: c.1036C>T, p.Pro346Ser (NM_001145444.1); c.1081C>T, p.Pro361Ser (NM_001145445.1); short protein forms P346S, P361S.
Identifiers: ClinVar variation 3632013 (VCV003632013.3).